The following is an entry in ClinVar:

NM_000147.5(FUCA1):c.215G>A (p.Trp72Ter)

Gene: FUCA1 (alpha-L-fucosidase 1; minus strand). Cytogenetic location: 1p36.11.
Variant type: single nucleotide variant.
Coding change: c.215G>A on transcript NM_000147.5 (MANE Select); coding-DNA position 215, G replaced by A.
Protein change: p.Trp72Ter; replaces tryptophan 72 with a stop codon.
Molecular consequence: nonsense.
Genome position (GRCh38, 1-based): chr1:23,868,072, C>T on the plus strand (G>A on the coding strand, the complement: FUCA1 is on the minus strand). VCF-style: chr1-23868072-C-T. GRCh37 (hg19) VCF-style: chr1-24194562-C-T.
Other names: short protein forms W72X.
Identifiers: ClinVar variation 984723 (VCV000984723.5), dbSNP rs1639662981, ClinGen allele CA339009781.
Genomic context (GRCh38, chr1:23,868,072, plus strand): 5'-AAGCGCTGGTACTGCGGCCGCCCCTCGCCCTGCCAGTGCCACCAGAACCACTCGCTGCCC[C>T]AGGCGGGCACCGAGAACACGCCCCAGTGGATGAACACCCCGAACTTGGCTTCGTCGAACC-3'

ClinVar aggregate classification (germline): Pathogenic. Review status: criteria provided, single submitter (1 of 4 stars). 2 submissions from 2 submitters: Pathogenic (1). 1 of the submissions does not count toward it. Last evaluated 2023-11-09.

Conditions:
Fucosidosis. Also called: ALPHA-L-FUCOSIDASE DEFICIENCY. Identifiers: Orphanet 349, MedGen C0016788, MONDO:0009254, OMIM 230000.

Submissions (2):

Labcorp Genetics (formerly Invitae), Labcorp
Classification: Pathogenic for Fucosidosis. Last evaluated: 2023-11-09. Review status: criteria provided, single submitter. Criteria: Invitae Variant Classification Sherloc (09022015). Collection method: clinical testing. Allele origin: germline.
Comment: This sequence change creates a premature translational stop signal (p.Trp72*) in the FUCA1 gene. It is expected to result in an absent or disrupted protein product. Loss-of-function variants in FUCA1 are known to be pathogenic (PMID: 10094192). This variant is not present in population databases (gnomAD no frequency). This variant has not been reported in the literature in individuals affected with FUCA1-related conditions. ClinVar contains an entry for this variant (Variation ID: 984723). For these reasons, this variant has been classified as Pathogenic.

Myelin Disorders Clinic-Children's Medical Center/Medical Genetics Lab-Tarbiat Modares University, Children's Medical Center, Pediatrics Center of Excellence,
Classification: Likely pathogenic for Fucosidosis. Review status: no assertion criteria provided. Collection method: clinical testing. Allele origin: inherited. Inheritance: Autosomal recessive inheritance. Affected: yes. Not counted in ClinVar's aggregate classification.

Literature cited by the submitters: PubMed 10094192 (cited by Labcorp Genetics (formerly Invitae), Labcorp).